The following is an entry in ClinVar:

NM_003873.7(NRP1):c.2030C>T (p.Thr677Ile)

Gene: NRP1 (neuropilin 1; minus strand). Cytogenetic location: 10p11.22.
Variant type: single nucleotide variant.
Coding change: c.2030C>T on transcript NM_003873.7 (MANE Select); coding-DNA position 2030, C replaced by T.
Protein change: p.Thr677Ile; replaces threonine 677 with isoleucine.
Molecular consequence: missense variant. On other transcripts: non-coding transcript variant (1).
Genome position (GRCh38, 1-based): chr10:33,192,313, G>A on the plus strand (C>T on the coding strand, the complement: NRP1 is on the minus strand). VCF-style: chr10-33192313-G-A. GRCh37 (hg19) VCF-style: chr10-33481241-G-A.
Other names: c.2009C>T, p.Thr670Ile (NM_001244972.2, NM_001244973.2); c.2030C>T, p.Thr677Ile (NM_001330068.2); short protein forms T670I, T677I.
Identifiers: ClinVar variation 4991081 (VCV004991081.1).
Genomic context (GRCh38, chr10:33,192,313, plus strand): 5'-CATGCAGCCGAAGTGAACTCTGTGATACCTGTGTGATCCTGAATGGGTCCCGTCTTGCTG[G>A]TCAACACACTCCACTTGAGCTGCACGTGATTGTCATGTTCCCAGTGGCAGAAGGTCTTGT-3'
Protein context (NP_003864.5, residues 667-687): NHVQLKWSVL[Thr677Ile]SKTGPIQDHT

ClinVar aggregate classification (germline): Uncertain significance (1 of 4 stars; one submission).

Conditions:
NRP1-related disorder. Also called: NRP1-related condition.

gnomAD v4.1: 1 of 1,613,794 alleles (0.000062%); highest among the groups gnomAD compares: East Asian, 0.0022%; no homozygotes.

Submission:

PreventionGenetics, part of Exact Sciences
Classification: Uncertain significance for NRP1-related condition. Last evaluated: 2026-09-16. Review status: criteria provided, single submitter. Criteria: ACMG Guidelines, 2015. Collection method: clinical testing. Allele origin: germline.
Comment: The NRP1 c.2030C>T variant is predicted to result in the amino acid substitution p.Thr677Ile. To our knowledge, this variant has not been reported in the literature or in a large population database (gnomAD), indicating this variant is rare. At this time, the clinical significance of this variant is uncertain due to the absence of conclusive functional and genetic evidence.